The following is an entry in ClinVar:

ClinVar aggregate classification (germline): Conflicting classifications of pathogenicity. Review status: criteria provided, conflicting classifications (1 of 4 stars). 6 submissions from 6 submitters: Pathogenic (2); Likely pathogenic (2); Uncertain significance (2). Last evaluated 2026-01-15.

Conditions:
Familial thoracic aortic aneurysm and aortic dissection (TAAD). Also called: Thoracic aortic aneurysms and dissections. Identifiers: Orphanet 91387, MedGen C4707243, MONDO:0019625.
FBN1-related disorder. Also called: FBN1-related disorders.
Marfan syndrome (MFS). Also called: Marfan syndrome, classic; Marfan syndrome type 1; Marfan's syndrome; FBN1-Related Marfan Syndrome; MARFAN SYNDROME, TYPE I. Identifiers: Orphanet 284963, Orphanet 558, MedGen C0024796, MONDO:0007947, OMIM 154700.

Submissions (6):

Ambry Genetics
Classification: Pathogenic for Familial thoracic aortic aneurysm and aortic dissection. Last evaluated: 2026-01-15. Review status: criteria provided, single submitter. Criteria: Ambry Variant Classification Scheme 2023. Collection method: clinical testing. Allele origin: germline.
Comment: The p.G1301V pathogenic mutation (also known as c.3902G>T), located in coding exon 31 of the FBN1 gene, results from a G to T substitution at nucleotide position 3902. The glycine at codon 1301 is replaced by valine, an amino acid with dissimilar properties. This variant was reported in individual(s) with features consistent with Marfan syndrome (Baudhuin LM et al. J Hum Genet, 2015 May;60:241-52; Guo J et al. Sci Rep, 2015 Aug;5:13115; Haskell GT et al. Circ Cardiovasc Genet, 2017 Jun;10:; Yang H et al. J Thorac Cardiovasc Surg, 2023 Dec;166:1594-1603.e5; Guo D et al. Invest Ophthalmol Vis Sci, 2024 Jan;65:20). This variant alters a critical glycine in a sterically constrained region and is expected to disrupt FBN1 function (Van Kien PK et al. Hum Mutat. 2010;31(1):E1021-42). This amino acid position is highly conserved in available vertebrate species. In addition, this alteration is predicted to be deleterious by in silico analysis. This variant is considered to be rare based on population cohorts in the Genome Aggregation Database (gnomAD). Based on the supporting evidence, this variant is interpreted as a disease-causing mutation.

GeneDx
Classification: Uncertain significance. Last evaluated: 2025-10-01. Review status: criteria provided, single submitter. Criteria: GeneDx Variant Classification Process June 2021. Collection method: clinical testing. Allele origin: germline. Affected: yes.
Comment: Has been reported in individuals with TAAD and Marfan syndrome in published literature (PMID: 28611029, 25652356, 26272055); Not observed at significant frequency in large population cohorts (gnomAD); In silico analysis supports that this missense variant has a deleterious effect on protein structure/function; Does not affect a cysteine or calcium-binding residue within an EGF-like domain or a TGF-binding protein domain of the FBN1 gene; cysteine substitutions in the EGF-like domains represent the majority of pathogenic missense changes associated with FBN1-related disorders (PMID: 12938084); This variant is associated with the following publications: (PMID: 26272055, 25652356, 33735269, 12938084, 28611029, 38190127)

Labcorp Genetics (formerly Invitae), Labcorp
Classification: Pathogenic for Marfan syndrome; Familial thoracic aortic aneurysm and aortic dissection. Last evaluated: 2024-10-24. Review status: criteria provided, single submitter. Criteria: Invitae Variant Classification Sherloc (09022015). Collection method: clinical testing. Allele origin: germline.
Comment: This sequence change replaces glycine, which is neutral and non-polar, with valine, which is neutral and non-polar, at codon 1301 of the FBN1 protein (p.Gly1301Val). This variant is not present in population databases (gnomAD no frequency). This missense change has been observed in individuals with thoracic aortic aneurysm and dissection (PMID: 26272055, 28611029; internal data). ClinVar contains an entry for this variant (Variation ID: 915682). Invitae Evidence Modeling of protein sequence and biophysical properties (such as structural, functional, and spatial information, amino acid conservation, physicochemical variation, residue mobility, and thermodynamic stability) indicates that this missense variant is expected to disrupt FBN1 protein function with a positive predictive value of 95%. For these reasons, this variant has been classified as Pathogenic.

Blueprint Genetics
Classification: Likely pathogenic for FBN1-related disorders. Last evaluated: 2024-09-16. Review status: criteria provided, single submitter. Criteria: ACMG Guidelines, 2015. Collection method: clinical testing. Allele origin: germline. Affected: yes. Observed: 4 variant alleles.

Women's Health and Genetics/Laboratory Corporation of America, LabCorp
Classification: Uncertain significance. Last evaluated: 2023-02-13. Review status: criteria provided, single submitter. Criteria: LabCorp Variant Classification Summary - May 2015. Collection method: clinical testing. Allele origin: germline.
Comment: Variant summary: FBN1 c.3902G>T (p.Gly1301Val) results in a non-conservative amino acid change located in the EGF-like domain (IPR000742) of the encoded protein sequence. Five of five in-silico tools predict a damaging effect of the variant on protein function. The variant was absent in 251358 control chromosomes (gnomAD). c.3902G>T has been reported in the literature as a likely pathogenic variant in one individual with a suspected or confirmed diagnosis of Marfan Syndrome (Baudhuin_2015), and in two individual with Thoracic aortic aneurysm and dissection (Guo_2015, Haskell_2017). The variant was also reported in 2 individuals with Marfan/Incomplete Marfan syndrome phenotypes in the UMD database. These data indicate that the variant may be associated with disease. To our knowledge, no experimental evidence demonstrating an impact on protein function has been reported. Three ClinVar submitters have assessed the variant since 2014: one classified the variant as uncertain significance, one as likely pathogenic, and one as pathogenic. Based on the evidence outlined above, the variant was classified as VUS-possibly pathogenic.

CHEO Genetics Diagnostic Laboratory, Children's Hospital of Eastern Ontario
Classification: Likely pathogenic for Familial thoracic aortic aneurysm and aortic dissection. Last evaluated: 2019-04-16. Review status: criteria provided, single submitter. Criteria: ACMG Guidelines, 2015. Collection method: clinical testing. Allele origin: germline.

Literature cited by the submitters: PubMed 25652356 (cited by Ambry Genetics and Women's Health and Genetics/Laboratory Corporation of America, LabCorp); PubMed 26272055 (cited by 3 submitters); PubMed 28611029 (cited by 3 submitters); PubMed 36517271 (cited by Ambry Genetics); PubMed 38190127 (cited by Ambry Genetics); PubMed 33735269 (cited by Women's Health and Genetics/Laboratory Corporation of America, LabCorp).

NM_000138.5(FBN1):c.3902G>T (p.Gly1301Val)

Gene: FBN1 (fibrillin 1; minus strand). Cytogenetic location: 15q21.1.
Variant type: single nucleotide variant.
Coding change: c.3902G>T on transcript NM_000138.5 (MANE Select); coding-DNA position 3902, G replaced by T.
Protein change: p.Gly1301Val; replaces glycine 1301 with valine.
Molecular consequence: missense variant.
Genome position (GRCh38, 1-based): chr15:48,481,717, C>A on the plus strand (G>T on the coding strand, the complement: FBN1 is on the minus strand). VCF-style: chr15-48481717-C-A. GRCh37 (hg19) VCF-style: chr15-48773914-C-A.
Other names: short protein forms G1301V.
Identifiers: ClinVar variation 915682 (VCV000915682.14), dbSNP rs1566908083, ClinGen allele CA16609651.